The following is an entry in ClinVar:

NC_000022.11:g.36864921_36864935del

Genes: NCF4 (neutrophil cytosolic factor 4; plus strand), NCF4-AS1 (NCF4 antisense RNA 1; minus strand). Cytogenetic location: 22q12.3.
Variant type: Deletion.
Genome position: GRCh38 VCF-style: chr22-36864916-TAGGTTTTCGTCATCG-T. GRCh37 (hg19) VCF-style: chr22-37260958-TAGGTTTTCGTCATCG-T.
Identifiers: ClinVar variation 803685 (VCV000803685.4), dbSNP rs1200078508, ClinGen allele CA639393110.
Genomic context (GRCh38, chr22:36,864,916, plus strand): 5'-CCACCTCTTTTTGGCTTGTGCTCCTGGCCCCTGAGCCCTCCCCACAACCTCTGTCCTCCT[TAGGTTTTCGTCATCG>T]AGGTGAAGACAAAAGGAGGATCCAAGTACCTCATCTACCGCCGCTACCGCCAGTTCCATG-3'

ClinVar aggregate classification (germline): Likely pathogenic. Review status: criteria provided, multiple submitters, no conflicts (2 of 4 stars). 2 submissions from 2 submitters: Likely pathogenic (2). Last evaluated 2024-04-27.

Conditions:
Granulomatous disease, chronic, autosomal recessive, cytochrome b-positive, type 3. Also called: GRANULOMATOUS DISEASE, CHRONIC, AUTOSOMAL RECESSIVE, 3; CGD, AUTOSOMAL RECESSIVE CYTOCHROME b-POSITIVE, TYPE III; GRANULOMATOUS DISEASE, CHRONIC, DUE TO NCF4 DEFICIENCY; Granulomatous disease, chronic, autosomal recessive, cytochrome b-positive, type III. Identifiers: Orphanet 379, MedGen C3151409, MONDO:0013507, OMIM 613960.

Submissions (2):

Labcorp Genetics (formerly Invitae), Labcorp
Classification: Likely pathogenic for Granulomatous disease, chronic, autosomal recessive, cytochrome b-positive, type 3. Last evaluated: 2024-04-27. Review status: criteria provided, single submitter. Criteria: Invitae Variant Classification Sherloc (09022015). Collection method: clinical testing. Allele origin: germline.
Comment: This variant, c.120_134del, results in the deletion of 5 amino acid(s) of the NCF4 protein (p.Phe41_Val45del), but otherwise preserves the integrity of the reading frame. This variant is present in population databases (no rsID available, gnomAD 0.0009%). This variant has been observed in individuals with chronic granulomatous disease (PMID: 29969437). It has also been observed to segregate with disease in related individuals. ClinVar contains an entry for this variant (Variation ID: 803685). Algorithms developed to predict the effect of variants on protein structure and function are not available or were not evaluated for this variant. Experimental studies have shown that this variant affects NCF4 function (PMID: 29969437). In summary, the currently available evidence indicates that the variant is pathogenic, but additional data are needed to prove that conclusively. Therefore, this variant has been classified as Likely Pathogenic.

Mendelics
Classification: Likely pathogenic for Granulomatous disease, chronic, autosomal recessive, cytochrome b-positive, type 3. Last evaluated: 2019-05-28. Review status: criteria provided, single submitter. Criteria: Mendelics Assertion Criteria 2017. Collection method: clinical testing. Allele origin: unknown.

Literature cited by the submitters: PubMed 29969437 (cited by Labcorp Genetics (formerly Invitae), Labcorp).